The following is an entry in ClinVar:

NM_013382.7(POMT2):c.389A>G (p.Gln130Arg)

Gene: POMT2 (protein O-mannosyltransferase 2; minus strand). Cytogenetic location: 14q24.3.
Variant type: single nucleotide variant.
Coding change: c.389A>G on transcript NM_013382.7 (MANE Select); coding-DNA position 389, A replaced by G.
Protein change: p.Gln130Arg; replaces glutamine 130 with arginine.
Molecular consequence: missense variant.
Genome position (GRCh38, 1-based): chr14:77,306,386, T>C on the plus strand (A>G on the coding strand, the complement: POMT2 is on the minus strand). VCF-style: chr14-77306386-T-C. GRCh37 (hg19) VCF-style: chr14-77772729-T-C.
Other names: c.389A>G (NM_013382.5); short protein forms Q130R.
Identifiers: ClinVar variation 1011226 (VCV001011226.9), dbSNP rs758643051, ClinGen allele CA7286210.

ClinVar aggregate classification (germline): Uncertain significance. Review status: criteria provided, multiple submitters, no conflicts (2 of 4 stars). 2 submissions from 2 submitters: Uncertain significance (2). Last evaluated 2025-09-01.

Conditions:
Inborn genetic diseases. Identifiers: MedGen C0950123, MeSH D030342.
Muscular dystrophy-dystroglycanopathy (congenital with brain and eye anomalies), type A2. Also called: MUSCULAR DYSTROPHY-DYSTROGLYCANOPATHY (CONGENITAL WITH BRAIN AND EYE ANOMALIES), TYPE A, 2; WALKER-WARBURG SYNDROME OR MUSCLE-EYE-BRAIN DISEASE, POMT2-RELATED. Identifiers: Orphanet 588, Orphanet 899, MedGen C3150411, MONDO:0013154, OMIM 613150.
Muscular dystrophy-dystroglycanopathy (congenital with impaired intellectual development), type B, 2. Also called: MUSCULAR DYSTROPHY, CONGENITAL, POMT2-RELATED; Muscular dystrophy-dystroglycanopathy (congenital with intellectual disability), type B2. Identifiers: MedGen C3150416, MONDO:0013160, OMIM 613156.
Autosomal recessive limb-girdle muscular dystrophy type 2N. Also called: Muscular dystrophy-dystroglycanopathy (limb-girdle), type C, 2; MUSCULAR DYSTROPHY-DYSTROGLYCANOPATHY, LIMB-GIRDLE, POMT2-RELATED. Identifiers: Orphanet 206559, MedGen C3150418, MONDO:0013162, OMIM 613158.

Allele frequency attached by ClinVar (database versions not stated): gnomAD exomes 0.00001 and below 0.00001; ExAC 0.00001.
gnomAD v4.1: 16 of 1,613,302 alleles (0.00099%); highest among the groups gnomAD compares: Admixed American, 0.0017%; no homozygotes.

Submissions (2):

Ambry Genetics
Classification: Uncertain significance for Inborn genetic diseases. Last evaluated: 2025-09-01. Review status: criteria provided, single submitter. Criteria: Ambry Variant Classification Scheme 2023. Collection method: clinical testing. Allele origin: germline.

Labcorp Genetics (formerly Invitae), Labcorp
Classification: Uncertain significance for Muscular dystrophy-dystroglycanopathy (congenital with impaired intellectual development), type B, 2; Muscular dystrophy-dystroglycanopathy (congenital with brain and eye anomalies), type A2; Autosomal recessive limb-girdle muscular dystrophy type 2N. Last evaluated: 2025-02-25. Review status: criteria provided, single submitter. Criteria: Invitae Variant Classification Sherloc (09022015). Collection method: clinical testing. Allele origin: germline.
Comment: This sequence change replaces glutamine, which is neutral and polar, with arginine, which is basic and polar, at codon 130 of the POMT2 protein (p.Gln130Arg). This variant is present in population databases (rs758643051, gnomAD 0.0009%). This variant has not been reported in the literature in individuals affected with POMT2-related conditions. ClinVar contains an entry for this variant (Variation ID: 1011226). Invitae Evidence Modeling of protein sequence and biophysical properties (such as structural, functional, and spatial information, amino acid conservation, physicochemical variation, residue mobility, and thermodynamic stability) indicates that this missense variant is not expected to disrupt POMT2 protein function with a negative predictive value of 95%. In summary, the available evidence is currently insufficient to determine the role of this variant in disease. Therefore, it has been classified as a Variant of Uncertain Significance.